The following is an entry in ClinVar:

NM_000059.4(BRCA2):c.5403del (p.Gln1802fs)

Gene: BRCA2 (BRCA2 DNA repair associated; plus strand). Cytogenetic location: 13q13.1.
Variant type: Deletion.
Coding change: c.5403del on transcript NM_000059.4 (MANE Select); coding-DNA position 5403, one base deleted (A; older notation c.5403delA).
Protein change: p.Gln1802fs; shifts the reading frame from glutamine 1802.
Molecular consequence: frameshift variant. On other transcripts: non-coding transcript variant (1), intron variant (2).
Genome position (GRCh38, 1-based): chr13:32,339,758, A deleted. VCF-style (leftmost placement, unchanged base first): chr13-32339757-CA-C. GRCh37 (hg19) VCF-style: chr13-32913894-CA-C.
Other names: c.5403del, p.Gln1802fs (NM_001406719.1, NM_001406720.1); c.1910-4800del (NM_001406721.1); c.425-4800del (NM_001406722.1); short protein forms Q1802fs.
Identifiers: ClinVar variation 3227426 (VCV003227426.3), dbSNP rs2548530718, ClinGen allele CA2825002156.
Genomic context (GRCh38, chr13:32,339,757, plus strand): 5'-ATCAAAAAAACACTAGTTTTTCCAAAGTAATATCCAATGTAAAAGATGCAAATGCATACC[CA>C]CAAACTGTAAATGAAGATATTTGCGTTGAGGAACTTGTGACTAGCTCTTCACCCTGCAAA-3'

ClinVar aggregate classification (germline): Pathogenic. Review status: criteria provided, multiple submitters, no conflicts (2 of 4 stars). 2 submissions from 2 submitters: Pathogenic (2). Last evaluated 2025-04-22.

Conditions:
Hereditary cancer-predisposing syndrome. Also called: Neoplastic Syndromes, Hereditary; Tumor predisposition; Hereditary neoplastic syndrome; Hereditary Cancer Syndrome. Identifiers: Orphanet 140162, MedGen C0027672, MeSH D009386, MONDO:0015356.
Hereditary breast ovarian cancer syndrome. Also called: Hereditary breast and ovarian cancer syndrome (HBOC); Breast and ovarian cancer; Hereditary breast and/or ovarian cancer syndrome; BRCA1- and BRCA2-Associated Hereditary Breast and Ovarian Cancer; Hereditary breast and ovarian cancer syndrome; Hereditary breast and ovarian cancer. Identifiers: Orphanet 145, MedGen C0677776, MeSH D061325, MONDO:0003582. Disease mechanism: loss of function.

Submissions (2):

Labcorp Genetics (formerly Invitae), Labcorp
Classification: Pathogenic for Hereditary breast ovarian cancer syndrome. Last evaluated: 2025-04-22. Review status: criteria provided, single submitter. Criteria: Invitae Variant Classification Sherloc (09022015). Collection method: clinical testing. Allele origin: germline.
Comment: This sequence change creates a premature translational stop signal (p.Gln1802Lysfs*3) in the BRCA2 gene. It is expected to result in an absent or disrupted protein product. Loss-of-function variants in BRCA2 are known to be pathogenic (PMID: 20104584). This variant is not present in population databases (gnomAD no frequency). This variant has not been reported in the literature in individuals affected with BRCA2-related conditions. ClinVar contains an entry for this variant (Variation ID: 3227426). For these reasons, this variant has been classified as Pathogenic.

Ambry Genetics
Classification: Pathogenic for Hereditary cancer-predisposing syndrome. Last evaluated: 2023-03-03. Review status: criteria provided, single submitter. Criteria: Ambry Variant Classification Scheme 2023. Collection method: clinical testing. Allele origin: germline.
Comment: The c.5403delA pathogenic mutation, located in coding exon 10 of the BRCA2 gene, results from a deletion of one nucleotide at nucleotide position 5403, causing a translational frameshift with a predicted alternate stop codon (p.Q1802Kfs*3). This variant is considered to be rare based on population cohorts in the Genome Aggregation Database (gnomAD). This alteration is expected to result in loss of function by premature protein truncation or nonsense-mediated mRNA decay. As such, this alteration is interpreted as a disease-causing mutation.

Literature cited by the submitters: PubMed 20104584 (cited by Labcorp Genetics (formerly Invitae), Labcorp).